The following is an entry in ClinVar:

NM_006005.3(WFS1):c.787C>T (p.Leu263=)

Gene: WFS1 (wolframin ER transmembrane glycoprotein; plus strand). Cytogenetic location: 4p16.1.
Variant type: single nucleotide variant.
Coding change: c.787C>T on transcript NM_006005.3 (MANE Select); coding-DNA position 787, C replaced by T.
Protein change: p.Leu263=; no amino-acid change (leucine 263 retained).
Molecular consequence: synonymous variant.
Genome position (GRCh38, 1-based): chr4:6,295,115, C>T. VCF-style: chr4-6295115-C-T. GRCh37 (hg19) VCF-style: chr4-6296842-C-T.
Other names: c.787C>T, p.Leu263= (NM_001145853.1).
Identifiers: ClinVar variation 514692 (VCV000514692.11), dbSNP rs749765315, ClinGen allele CA2839053.

ClinVar aggregate classification (germline): Benign/Likely benign. Review status: criteria provided, multiple submitters, no conflicts (2 of 4 stars). 5 submissions from 5 submitters: Benign (1); Likely benign (4). Last evaluated 2026-01-12.

Conditions:
Wolfram syndrome 1 (WFS1). Identifiers: Orphanet 3463, MedGen C4551693, MONDO:0009101, OMIM 222300.

Allele frequency attached by ClinVar (database versions not stated): gnomAD exomes 0.00001 and 0.00003; TOPMed 0.00001; ExAC 0.00003.

Submissions (5):

Labcorp Genetics (formerly Invitae), Labcorp
Classification: Likely benign. Last evaluated: 2026-01-12. Review status: criteria provided, single submitter. Criteria: Invitae Variant Classification Sherloc (09022015). Collection method: clinical testing. Allele origin: germline.

CeGaT Center for Human Genetics Tuebingen
Classification: Likely benign. Last evaluated: 2026-01-01. Review status: criteria provided, single submitter. Criteria: CeGaT Center For Human Genetics Tuebingen Variant Classification Criteria Version 2. Collection method: clinical testing. Allele origin: germline. Affected: yes. Observed: 1 variant allele.
Comment: WFS1: BP4, BP7

Blueprint Genetics
Classification: Likely benign. Last evaluated: 2019-02-04. Review status: criteria provided, single submitter. Criteria: ACMG Guidelines, 2015. Collection method: clinical testing. Allele origin: germline.

GeneDx
Classification: Likely benign. Last evaluated: 2018-01-30. Review status: criteria provided, single submitter. Criteria: GeneDx Variant Classification (06012015). Collection method: clinical testing. Allele origin: germline. Affected: yes.
Comment: This variant is considered likely benign or benign based on one or more of the following criteria: it is a conservative change, it occurs at a poorly conserved position in the protein, it is predicted to be benign by multiple in silico algorithms, and/or has population frequency not consistent with disease.

Clinical Genomics, Uppaluri K&H Personalized Medicine Clinic
Classification: Benign for Wolfram syndrome 1. Review status: criteria provided, single submitter. Criteria: K & H Uppaluri Personalized Medicine Clinic Variant Classification & Assertion Criteria_Updated V.1. Collection method: research. Allele origin: unknown. Inheritance: Autosomal recessive inheritance.
Comment: Potent mutations in WFS1 gene are associated with Wolfram's syndrome, an autosomal recessive condition, which cause diabetes mellitus, diabetes insipidus, deafness and optic atrophy.However no sufficient evidence is found to ascertain the role of this particular variant rs749765315 in Wolfram's syndrome yet.

Literature cited by the submitters: PubMed 20738327 (cited by Clinical Genomics, Uppaluri K&H Personalized Medicine Clinic); PubMed 33879153 (cited by Clinical Genomics, Uppaluri K&H Personalized Medicine Clinic); PubMed 12955714 (cited by Clinical Genomics, Uppaluri K&H Personalized Medicine Clinic); PubMed 18060660 (cited by Clinical Genomics, Uppaluri K&H Personalized Medicine Clinic); PubMed 20301750 (cited by Clinical Genomics, Uppaluri K&H Personalized Medicine Clinic); PubMed 17603484 (cited by Clinical Genomics, Uppaluri K&H Personalized Medicine Clinic).